The following is an entry in ClinVar:

ClinVar aggregate classification (germline): Uncertain significance. Review status: criteria provided, multiple submitters, no conflicts (2 of 4 stars). 3 submissions from 3 submitters: Uncertain significance (3). Last evaluated 2026-09-24.

Conditions:
DMXL2-related disorder. Also called: DMXL2-related condition.

gnomAD v4.1: 15 of 1,613,800 alleles (0.00093%); highest among the groups gnomAD compares: East Asian, 0.0045%; no homozygotes.

Submissions (3):

PreventionGenetics, part of Exact Sciences
Classification: Uncertain significance for DMXL2-related condition. Last evaluated: 2026-09-24. Review status: criteria provided, single submitter. Criteria: ACMG Guidelines, 2015. Collection method: clinical testing. Allele origin: germline.
Comment: The DMXL2 c.1523T>C variant is predicted to result in the amino acid substitution p.Met508Thr. This variant has been reported with unknown zygosity in an individual with age-related hearing loss (Boucher et al. 2020. PubMed ID: 33229591). This variant is reported in 0.0065% of alleles in individuals of South Asian descent in gnomAD. At this time, the clinical significance of this variant is uncertain due to the absence of conclusive functional and genetic evidence.

Labcorp Genetics (formerly Invitae), Labcorp
Classification: Uncertain significance. Last evaluated: 2025-10-22. Review status: criteria provided, single submitter. Criteria: Invitae Variant Classification Sherloc (09022015). Collection method: clinical testing. Allele origin: germline.
Comment: This sequence change replaces methionine, which is neutral and non-polar, with threonine, which is neutral and polar, at codon 508 of the DMXL2 protein (p.Met508Thr). This variant is present in population databases (rs778346881, gnomAD 0.006%). This missense change has been observed in individual(s) with deafness (PMID: 33229591). An algorithm developed to predict the effect of missense changes on protein structure and function (PolyPhen-2) suggests that this variant is likely to be disruptive. In summary, the available evidence is currently insufficient to determine the role of this variant in disease. Therefore, it has been classified as a Variant of Uncertain Significance.

Blueprint Genetics
Classification: Uncertain significance. Last evaluated: 2024-05-28. Review status: criteria provided, single submitter. Criteria: ACMG Guidelines, 2015. Collection method: clinical testing. Allele origin: germline.

Literature cited by the submitters: PubMed 33229591 (cited by Labcorp Genetics (formerly Invitae), Labcorp).

NM_001378457.1(DMXL2):c.1523T>C (p.Met508Thr)

Gene: DMXL2 (Dmx like 2; minus strand). Cytogenetic location: 15q21.2.
Variant type: single nucleotide variant.
Coding change: c.1523T>C on transcript NM_001378457.1 (MANE Select); coding-DNA position 1523, T replaced by C.
Protein change: p.Met508Thr; replaces methionine 508 with threonine.
Molecular consequence: missense variant. On other transcripts: non-coding transcript variant (2).
Genome position (GRCh38, 1-based): chr15:51,537,582, A>G on the plus strand (T>C on the coding strand, the complement: DMXL2 is on the minus strand). VCF-style: chr15-51537582-A-G. GRCh37 (hg19) VCF-style: chr15-51829779-A-G.
Other names: c.1523T>C (NM_001174116.1); c.1523T>C, p.Met508Thr (NM_001378462.1, NM_001378463.1, NM_015263.5 and 6 more transcripts); c.1283T>C, p.Met428Thr (NM_001378464.1); short protein forms M428T, M508T.
Identifiers: ClinVar variation 4753129 (VCV004753129.3).